The following is an entry in ClinVar:

ClinVar aggregate classification (germline): Likely benign (1 of 4 stars; one submission).

Allele frequency attached by ClinVar (database versions not stated): ESP Exome Variant Server 0.00042; ExAC 0.00076; gnomAD exomes 0.00082; gnomAD 0.00112; 1000 Genomes Project 0.00120; 1000 Genomes Project 30x 0.00125; TOPMed 0.00142.
gnomAD v4.1: 1,433 of 1,613,920 alleles (0.089%); highest among the groups gnomAD compares: Middle Eastern, 0.56%; 3 homozygotes.

Submission:

CeGaT Center for Human Genetics Tuebingen
Classification: Likely benign. Last evaluated: 2023-03-01. Review status: criteria provided, single submitter. Criteria: CeGaT Center For Human Genetics Tuebingen Variant Classification Criteria Version 2. Collection method: clinical testing. Allele origin: germline. Affected: yes. Observed: 2 variant alleles.
Comment: EFCAB5: BP4, BP7

NM_198529.4(EFCAB5):c.4155G>A (p.Ala1385=)

Gene: EFCAB5 (EF-hand calcium binding domain 5; plus strand). Cytogenetic location: 17q11.2.
Variant type: single nucleotide variant.
Coding change: c.4155G>A on transcript NM_198529.4 (MANE Select); coding-DNA position 4155, G replaced by A.
Protein change: p.Ala1385=; no amino-acid change (alanine 1385 retained).
Molecular consequence: synonymous variant.
Genome position (GRCh38, 1-based): chr17:30,092,088, G>A. VCF-style: chr17-30092088-G-A. GRCh37 (hg19) VCF-style: chr17-28419106-G-A.
Identifiers: ClinVar variation 2647623 (VCV002647623.24), dbSNP rs372266388, ClinGen allele CA8479443.